The following is an entry in ClinVar:

ClinVar aggregate classification (germline): Uncertain significance (1 of 4 stars; one submission).

Conditions:
Severe combined immunodeficiency due to DNA-PKcs deficiency. Also called: Immunodeficiency 26 with or without neurologic abnormalities; IMMUNODEFICIENCY 26 WITH NEUROLOGIC ABNORMALITIES. Identifiers: Orphanet 317425, MedGen C4014833, MONDO:0014423, OMIM 615966.

Allele frequency attached by ClinVar (database versions not stated): gnomAD 0.00001.
gnomAD v4.1: 10 of 1,613,388 alleles (0.00062%); highest among the groups gnomAD compares: Non-Finnish European, 0.00085%; no homozygotes.

Submission:

Labcorp Genetics (formerly Invitae), Labcorp
Classification: Uncertain significance for Severe combined immunodeficiency due to DNA-PKcs deficiency. Last evaluated: 2022-08-16. Review status: criteria provided, single submitter. Criteria: Invitae Variant Classification Sherloc (09022015). Collection method: clinical testing. Allele origin: germline.
Comment: In summary, the available evidence is currently insufficient to determine the role of this variant in disease. Therefore, it has been classified as a Variant of Uncertain Significance. Experimental studies and prediction algorithms are not available or were not evaluated, and the functional significance of this variant is currently unknown. ClinVar contains an entry for this variant (Variation ID: 1519741). This variant has not been reported in the literature in individuals affected with PRKDC-related conditions. This variant is not present in population databases (gnomAD no frequency). This sequence change replaces valine with isoleucine at codon 2855 of the PRKDC protein (p.Val2855Ile). The valine residue is weakly conserved and there is a small physicochemical difference between valine and isoleucine.

NM_006904.7(PRKDC):c.8563G>A (p.Val2855Ile)

Gene: PRKDC (protein kinase, DNA-activated, catalytic subunit; minus strand). Cytogenetic location: 8q11.21.
Variant type: single nucleotide variant.
Coding change: c.8563G>A on transcript NM_006904.7 (MANE Select); coding-DNA position 8563, G replaced by A.
Protein change: p.Val2855Ile; replaces valine 2855 with isoleucine.
Molecular consequence: missense variant.
Genome position (GRCh38, 1-based): chr8:47,828,182, C>T on the plus strand (G>A on the coding strand, the complement: PRKDC is on the minus strand). VCF-style: chr8-47828182-C-T. GRCh37 (hg19) VCF-style: chr8-48740743-C-T.
Other names: c.8563G>A, p.Val2855Ile (NM_001081640.2); short protein forms V2855I.
Identifiers: ClinVar variation 1519741 (VCV001519741.6), dbSNP rs750004932, ClinGen allele CA176152073.
Genomic context (GRCh38, chr8:47,828,182, plus strand): 5'-GCCACAGCAAACAATGTATATTTGATGAAGTGTGTGCAGACTTTACCTGAATACAAGAGA[C>T]AAAGGGTGGAAAGAAAGAGAAGGTGGTATTAAGAAAACGATTGAAGTCTTGAAGCAACTT-3'
Protein context (NP_008835.5, residues 2845-2865): NTTFSFFPPF[Val2855Ile]SCIQDISCQH